The following is an entry in ClinVar:

ClinVar aggregate classification (germline): Uncertain significance (1 of 4 stars; one submission).

Conditions:
LAMA3-related disorder. Also called: LAMA3-related disorders; LAMA3-related condition.

Submission:

PreventionGenetics, part of Exact Sciences
Classification: Uncertain significance for LAMA3-related condition. Last evaluated: 2025-05-01. Review status: criteria provided, single submitter. Criteria: ACMG Guidelines, 2015. Collection method: clinical testing. Allele origin: germline.
Comment: The LAMA3 c.1741G>A variant is predicted to result in the amino acid substitution p.Glu581Lys. This variant has been observed in a cohort of individuals with esophageal squamous cell carcinoma (reported as E525K using alternative transcript NM_001127718 in Golyan et al. 2019. PubMed ID: 31321674). This variant is reported in 0.0058% of alleles in individuals of Latino descent in gnomAD. At this time, the clinical significance of this variant is uncertain due to the absence of conclusive functional and genetic evidence.

NM_198129.4(LAMA3):c.6568G>A (p.Glu2190Lys)

Gene: LAMA3 (laminin subunit alpha 3; plus strand). Cytogenetic location: 18q11.2.
Variant type: single nucleotide variant.
Coding change: c.6568G>A on transcript NM_198129.4 (MANE Select); coding-DNA position 6568, G replaced by A.
Protein change: p.Glu2190Lys; replaces glutamic acid 2190 with lysine.
Molecular consequence: missense variant.
Genome position (GRCh38, 1-based): chr18:23,904,647, G>A. VCF-style: chr18-23904647-G-A. GRCh37 (hg19) VCF-style: chr18-21484611-G-A.
Other names: c.1741G>A, p.Glu581Lys (NM_000227.6); c.6400G>A, p.Glu2134Lys (NM_001127717.4); c.1573G>A, p.Glu525Lys (NM_001127718.4); short protein forms E525K, E581K, E2134K, E2190K.
Identifiers: ClinVar variation 4977509 (VCV004977509.1).